The following is an entry in ClinVar:

ClinVar aggregate classification (germline): Uncertain significance (1 of 4 stars; one submission).

Submission:

GeneDx
Classification: Uncertain significance. Last evaluated: 2020-01-03. Review status: criteria provided, single submitter. Criteria: GeneDx Variant Classification Process June 2021. Collection method: clinical testing. Allele origin: germline. Affected: yes.
Comment: Not observed in large population cohorts (Lek et al., 2016); In silico analysis, which includes protein predictors and evolutionary conservation, supports a deleterious effect; Has not been previously published as pathogenic or benign to our knowledge

NM_000400.4(ERCC2):c.158T>G (p.Leu53Trp)

Gene: ERCC2 (ERCC excision repair 2, TFIIH core complex helicase subunit; minus strand). Cytogenetic location: 19q13.32.
Variant type: single nucleotide variant.
Coding change: c.158T>G on transcript NM_000400.4 (MANE Select); coding-DNA position 158, T replaced by G.
Protein change: p.Leu53Trp; replaces leucine 53 with tryptophan.
Molecular consequence: missense variant.
Genome position (GRCh38, 1-based): chr19:45,369,095, A>C on the plus strand (T>G on the coding strand, the complement: ERCC2 is on the minus strand). VCF-style: chr19-45369095-A-C. GRCh37 (hg19) VCF-style: chr19-45872353-A-C.
Other names: c.86T>G, p.Leu29Trp (NM_001130867.2); short protein forms L29W, L53W.
Identifiers: ClinVar variation 1311062 (VCV001311062.2), dbSNP rs2123314881, ClinGen allele CA406379491.